The following is an entry in ClinVar:

NM_001673.5(ASNS):c.1270C>T (p.Arg424Ter)

Genes: ASNS (asparagine synthetase (glutamine-hydrolyzing); minus strand), CZ1P-ASNS (CZ1P-ASNS readthrough; minus strand). Cytogenetic location: 7q21.3.
Variant type: single nucleotide variant.
Coding change: c.1270C>T on transcript NM_001673.5 (MANE Select); coding-DNA position 1270, C replaced by T.
Protein change: p.Arg424Ter; replaces arginine 424 with a stop codon.
Molecular consequence: nonsense. On other transcripts: non-coding transcript variant (1).
Genome position (GRCh38, 1-based): chr7:97,853,355, G>A on the plus strand (C>T on the coding strand, the complement: ASNS is on the minus strand). VCF-style: chr7-97853355-G-A. GRCh37 (hg19) VCF-style: chr7-97482667-G-A.
Other names: c.1207C>T, p.Arg403Ter (NM_001178075.2); c.1021C>T, p.Arg341Ter (NM_001178076.2, NM_001178077.1); c.1270C>T, p.Arg424Ter (NM_001352496.2, NM_133436.3, NM_183356.4); short protein forms R341*, R403*, R424*.
Identifiers: ClinVar variation 1919665 (VCV001919665.9), dbSNP rs2484630568, ClinGen allele CA368265204.
Genomic context (GRCh38, chr7:97,853,355, plus strand): 5'-ATTTACCTACCTTTGGAATTCTCATTTCTGGTGGCAGAGACAAGTAATAGGAAGAAAATC[G>A]ATGATCTAGAAATGGGACTCTCAGTTCAAGACTTAAAGGAGAAAAGAAGAAAATCTAAAT-3'

ClinVar aggregate classification (germline): Pathogenic/Likely pathogenic. Review status: criteria provided, multiple submitters, no conflicts (2 of 4 stars). 4 submissions from 4 submitters: Pathogenic (1); Likely pathogenic (3). Last evaluated 2025-12-26.

Conditions:
Congenital microcephaly - severe encephalopathy - progressive cerebral atrophy syndrome. Also called: ASNS DEFICIENCY; Asparagine synthetase deficiency. Identifiers: Orphanet 391376, MedGen C3809971, MONDO:0014258, OMIM 615574.

Allele frequency attached by ClinVar (database versions not stated): gnomAD exomes 0.00001.
gnomAD v4.1: 8 of 1,612,832 alleles (0.0005%); highest among the groups gnomAD compares: South Asian, 0.0022%; no homozygotes.

Submissions (4):

Natera, Inc.
Classification: Likely pathogenic for Asparagine synthetase deficiency. Last evaluated: 2025-12-26. Review status: criteria provided, single submitter. Criteria: Natera Variant Classification Schema (03/2026). Collection method: clinical testing. Allele origin: germline.
Comment: The c.1270C>T variant in ASNS is a nonsense variant predicted to introduce a stop codon at amino acid 424. This variant is expected to result in nonsense mediated decay, truncation, or a dysfunctional protein product. This variant is rare in the general population with a frequency below the threshold expected for the associated phenotype(s). Given the available evidence, this variant is classified as Likely Pathogenic.

Fulgent Genetics
Classification: Likely pathogenic for Congenital microcephaly - severe encephalopathy - progressive cerebral atrophy syndrome. Last evaluated: 2024-06-18. Review status: criteria provided, single submitter. Criteria: ACMG Guidelines, 2015. Collection method: clinical testing. Allele origin: germline.

Labcorp Genetics (formerly Invitae), Labcorp
Classification: Pathogenic. Last evaluated: 2023-03-21. Review status: criteria provided, single submitter. Criteria: Invitae Variant Classification Sherloc (09022015). Collection method: clinical testing. Allele origin: germline.
Comment: This variant is not present in population databases (gnomAD no frequency). For these reasons, this variant has been classified as Pathogenic. Algorithms developed to predict the effect of sequence changes on RNA splicing suggest that this variant may disrupt the consensus splice site. ClinVar contains an entry for this variant (Variation ID: 1919665). This variant has not been reported in the literature in individuals affected with ASNS-related conditions. This sequence change creates a premature translational stop signal (p.Arg424*) in the ASNS gene. It is expected to result in an absent or disrupted protein product. Loss-of-function variants in ASNS are known to be pathogenic (PMID: 27422383, 30057589).

Juno Genomics, Hangzhou Juno Genomics, Inc
Classification: Likely pathogenic for Congenital microcephaly - severe encephalopathy - progressive cerebral atrophy syndrome. Review status: criteria provided, single submitter. Criteria: ACMG Guidelines, 2015. Collection method: clinical testing. Allele origin: germline.
Comment: Null variant in a gene where loss of function (LOF) is a known mechanism of disease.;Absent from controls (or at extremely low frequency if recessive) in Genome Aggregation Database.

Literature cited by the submitters: PubMed 27422383 (cited by Labcorp Genetics (formerly Invitae), Labcorp); PubMed 30057589 (cited by Labcorp Genetics (formerly Invitae), Labcorp).